The following is an entry in ClinVar:

ClinVar aggregate classification (germline): Likely pathogenic (1 of 4 stars; one submission).

Conditions:
Developmental and epileptic encephalopathy, 2 (DEE2). Also called: INFANTILE SPASM SYNDROME, X-LINKED 2; CDKL5 deficiency disorder. Identifiers: Orphanet 1934, Orphanet 3451, Orphanet 505652, MedGen C4750718, MONDO:0010396, OMIM 300672.

Submission:

Laboratorio de Genetica e Diagnostico Molecular, Hospital Israelita Albert Einstein
Classification: Likely pathogenic for Developmental and epileptic encephalopathy, 2. Last evaluated: 2022-07-28. Review status: criteria provided, single submitter. Criteria: ACMG Guidelines, 2015. Collection method: clinical testing. Allele origin: germline. Affected: yes. Observed: 1 variant allele.
Comment: ACMG classification criteria: PVS1 very strong, PM2 moderated

NM_001323289.2(CDKL5):c.826-14_835del

Gene: CDKL5 (cyclin dependent kinase like 5; plus strand). Cytogenetic location: Xp22.13.
Variant type: Deletion.
Coding change: c.826-14_835del on transcript NM_001323289.2 (MANE Select); 14 bases into the intron before coding-DNA position 826 through coding-DNA position 835, 24 bases deleted (TTTTATTTCCTAAGAATTTACTGA).
Molecular consequence: splice acceptor variant.
Genome position (GRCh38, 1-based): chrX:18,598,448-18,598,471, TTTTATTTCCTAAGAATTTACTGA deleted; deleting any 24 consecutive bases within chrX:18,598,447-18,598,471 gives the same sequence; the c. name uses the placement nearest the transcript's 3' end. VCF-style (leftmost placement, unchanged base first): chrX-18598446-AATTTTATTTCCTAAGAATTTACTG-A. GRCh37 (hg19) VCF-style: chrX-18616566-AATTTTATTTCCTAAGAATTTACTG-A.
Other names: c.826-14_835del (NM_003159.3, NM_001037343.2).
Identifiers: ClinVar variation 2431472 (VCV002431472.1), dbSNP rs2518867690, ClinGen allele CA2580100383.